The following is an entry in ClinVar:

ClinVar aggregate classification (germline): Uncertain significance (0 of 4 stars; one submission).

Conditions:
HTR2C-related disorder. Also called: HTR2C-related condition.

Submission:

PreventionGenetics, part of Exact Sciences
Classification: Uncertain significance for HTR2C-related condition. Last evaluated: 2024-02-21. Review status: no assertion criteria provided. Collection method: clinical testing. Allele origin: germline.
Comment: The HTR2C c.1200A>T variant is predicted to result in the amino acid substitution p.Arg400Ser. To our knowledge, this variant has not been reported in the literature or in a large population database, indicating this variant is rare. At this time, the clinical significance of this variant is uncertain due to the absence of conclusive functional and genetic evidence.

NM_000868.4(HTR2C):c.1200A>T (p.Arg400Ser)

Genes: HTR2C (5-hydroxytryptamine receptor 2C; plus strand), LOC126863306 (MED14-independent group 3 enhancer GRCh37_chrX:114140926-114142125; plus strand). Cytogenetic location: Xq23.
Variant type: single nucleotide variant.
Coding change: c.1200A>T on transcript NM_000868.4 (MANE Select); coding-DNA position 1200, A replaced by T.
Protein change: p.Arg400Ser; replaces arginine 400 with serine.
Molecular consequence: missense variant. On other transcripts: 3 prime UTR variant (1).
Genome position (GRCh38, 1-based): chrX:114,907,238, A>T. VCF-style: chrX-114907238-A-T. GRCh37 (hg19) VCF-style: chrX-114141801-A-T.
Other names: c.1200A>T, p.Arg400Ser (NM_001256760.3); c.*358A>T (NM_001256761.3); short protein forms R400S.
Identifiers: ClinVar variation 3348366 (VCV003348366.1).